The following is an entry in ClinVar:

ClinVar aggregate classification (germline): Uncertain significance. Review status: criteria provided, multiple submitters, no conflicts (2 of 4 stars). 3 submissions from 3 submitters: Uncertain significance (2). 1 of the submissions does not count toward it. Last evaluated 2025-08-01.

Conditions:
Inborn genetic diseases. Identifiers: MedGen C0950123, MeSH D030342.
Meniere disease. Also called: Ménière's disease. Identifiers: MedGen C0025281, MONDO:0007972, OMIM 156000.

Allele frequency attached by ClinVar (database versions not stated): TOPMed 0.00001; gnomAD 0.00003; ExAC 0.00002.
gnomAD v4.1: 27 of 1,613,826 alleles (0.0017%); highest among the groups gnomAD compares: Middle Eastern, 0.033%; no homozygotes.

Submissions (3):

Ambry Genetics
Classification: Uncertain significance for Inborn genetic diseases. Last evaluated: 2025-08-01. Review status: criteria provided, single submitter. Criteria: Ambry Variant Classification Scheme 2023. Collection method: clinical testing. Allele origin: germline.

Labcorp Genetics (formerly Invitae), Labcorp
Classification: Uncertain significance. Last evaluated: 2024-04-25. Review status: criteria provided, single submitter. Criteria: Invitae Variant Classification Sherloc (09022015). Collection method: clinical testing. Allele origin: germline.
Comment: This sequence change replaces glycine, which is neutral and non-polar, with arginine, which is basic and polar, at codon 105 of the COL9A2 protein (p.Gly105Arg). This variant is present in population databases (rs760368550, gnomAD 0.008%). This variant has not been reported in the literature in individuals affected with COL9A2-related conditions. ClinVar contains an entry for this variant (Variation ID: 1979938). Advanced modeling of protein sequence and biophysical properties (such as structural, functional, and spatial information, amino acid conservation, physicochemical variation, residue mobility, and thermodynamic stability) performed at Invitae indicates that this missense variant is expected to disrupt COL9A2 protein function with a positive predictive value of 95%. In summary, the available evidence is currently insufficient to determine the role of this variant in disease. Therefore, it has been classified as a Variant of Uncertain Significance.

Center for Computational Biology & Bioinformatics, University of California, San Diego
Classification: Uncertain significance for Meniere disease. Last evaluated: 2024-06-03. Review status: no assertion criteria provided. Collection method: research. Allele origin: germline. Affected: yes. Not counted in ClinVar's aggregate classification.

NM_001852.4(COL9A2):c.313G>A (p.Gly105Arg)

Gene: COL9A2 (collagen type IX alpha 2 chain; minus strand). Cytogenetic location: 1p34.2.
Variant type: single nucleotide variant.
Coding change: c.313G>A on transcript NM_001852.4 (MANE Select); coding-DNA position 313, G replaced by A.
Protein change: p.Gly105Arg; replaces glycine 105 with arginine.
Molecular consequence: missense variant.
Genome position (GRCh38, 1-based): chr1:40,312,600, C>T on the plus strand (G>A on the coding strand, the complement: COL9A2 is on the minus strand). VCF-style: chr1-40312600-C-T. GRCh37 (hg19) VCF-style: chr1-40778272-C-T.
Other names: c.313G>A (NM_001852.3); short protein forms G105R.
Identifiers: ClinVar variation 1979938 (VCV001979938.6), dbSNP rs760368550, ClinGen allele CA792015.
Genomic context (GRCh38, chr1:40,312,600, plus strand): 5'-AGAGTCCCTCGAAGCCCTTGCAGGTTGTACTCACCGGAAGGCCAGGAGGACCAGGAAGCC[C>T]GGGCTGGCCCTGCAGAAGCAACGAGAAAGGCTCAGAGGCTGGGGTTTCCCCGGCTCCTAC-3'
Protein context (NP_001843.1, residues 95-115): MGIPGVKGQP[Gly105Arg]LPGPPGLPGP